The following is an entry in ClinVar:

ClinVar aggregate classification (germline): Likely benign. Review status: criteria provided, single submitter (1 of 4 stars). 2 submissions from 1 submitter: Likely benign (2). Last evaluated 2018-01-13.

Conditions:
Charcot-Marie-Tooth disease type 4C (CMT4C). Also called: CHARCOT-MARIE-TOOTH DISEASE, DEMYELINATING, AUTOSOMAL RECESSIVE, TYPE 4C; CMT 4C; Charcot-Marie-Tooth Neuropathy Type 4C (CMT4C); CHARCOT-MARIE-TOOTH DISEASE, DEMYELINATING, TYPE 4C; SH3TC2-Related Hereditary Motor and Sensory Neuropathy. Identifiers: Orphanet 99949, MedGen C1866636, MONDO:0011113, OMIM 601596.
Susceptibility to mononeuropathy of the median nerve, mild. Also called: CARPAL TUNNEL SYNDROME, SUSCEPTIBILITY TO. Identifiers: MedGen C3150596, MONDO:0013237, OMIM 613353.

Allele frequency attached by ClinVar (database versions not stated): 1000 Genomes Project 0.00240; 1000 Genomes Project 30x 0.00265; TOPMed 0.00636; gnomAD 0.00639 and 0.00652.
gnomAD v4.1: 969 of 152,234 alleles (0.64%); highest among the groups gnomAD compares: Middle Eastern, 1%; 5 homozygotes.

Submissions (2):

Illumina Laboratory Services, Illumina
Classification: Likely benign for Charcot-Marie-Tooth disease type 4C. Last evaluated: 2018-01-13. Review status: criteria provided, single submitter. Criteria: ICSL Variant Classification Criteria 13 December 2019. Collection method: clinical testing. Allele origin: germline.
Comment: This variant was observed in the ICSL laboratory as part of a predisposition screen in an ostensibly healthy population. It had not been previously curated by ICSL or reported in the Human Gene Mutation Database (HGMD: prior to June 1st, 2018), and was therefore a candidate for classification through an automated scoring system. Utilizing variant allele frequency, disease prevalence and penetrance estimates, and inheritance mode, an automated score was calculated to assess if this variant is too frequent to cause the disease. Based on the score and internal cut-off values, a variant classified as likely benign is not then subjected to further curation. The score for this variant resulted in a classification of likely benign for this disease.

Illumina Laboratory Services, Illumina
Classification: Likely benign for Susceptibility to mononeuropathy of the median nerve, mild. Last evaluated: 2018-01-13. Review status: criteria provided, single submitter. Criteria: ICSL Variant Classification Criteria 13 December 2019. Collection method: clinical testing. Allele origin: germline.
Comment: the same text as in the submission from Illumina Laboratory Services, Illumina above.

NM_024577.4(SH3TC2):c.*15489G>A

Gene: SH3TC2 (SH3 domain and tetratricopeptide repeats 2; minus strand). Cytogenetic location: 5q32.
Variant type: single nucleotide variant.
Coding change: c.*15489G>A on transcript NM_024577.4 (MANE Select); 15489 bases downstream of the stop codon, G replaced by A.
Molecular consequence: 3 prime UTR variant.
Genome position (GRCh38, 1-based): chr5:148,989,222, C>T on the plus strand (G>A on the coding strand, the complement: SH3TC2 is on the minus strand). VCF-style: chr5-148989222-C-T. GRCh37 (hg19) VCF-style: chr5-148368785-C-T.
Identifiers: ClinVar variation 351648 (VCV000351648.5), dbSNP rs115194965, ClinGen allele CA10623328.